The following is an entry in ClinVar:

ClinVar aggregate classification (germline): Pathogenic. Review status: criteria provided, multiple submitters, no conflicts (2 of 4 stars). 2 submissions from 2 submitters: Pathogenic (2). Last evaluated 2024-09-03.

Conditions:
Autosomal recessive limb-girdle muscular dystrophy type 2E (LGMDR4). Also called: MUSCULAR DYSTROPHY, LIMB-GIRDLE, AUTOSOMAL RECESSIVE 4. Identifiers: Orphanet 119, MedGen C1858593, MONDO:0011423, OMIM 604286. Disease mechanism: Affects gamma-sarcoglycan and also disrupts the integrity of the entire sarcoglycan complex..

Submissions (2):

3billion
Classification: Pathogenic for Autosomal recessive limb-girdle muscular dystrophy type 2E. Last evaluated: 2024-09-03. Review status: criteria provided, single submitter. Criteria: ACMG Guidelines, 2015. Collection method: clinical testing. Allele origin: germline. Affected: yes.
Comment: The variant is not observed in the gnomAD v4.0.0 dataset. Predicted Consequence/Location: Canonical splice site: predicted to alter splicing and result in a loss or disruption of normal protein function. Multiple pathogenic loss-of-function variants are reported downstream of the variant. In silico tools predict the variant to alter splicing and produce an abnormal transcript [SpliceAI: 0.99 (spliceogenicity >=0.2, non-spliceogenicity <0.1)]. The variant has been reported to be associated with SGCB related disorder (ClinVar ID: VCV002695058). Therefore, this variant is classified as Pathogenic according to the recommendation of ACMG/AMP guideline.

Labcorp Genetics (formerly Invitae), Labcorp
Classification: Pathogenic for Autosomal recessive limb-girdle muscular dystrophy type 2E. Last evaluated: 2023-11-11. Review status: criteria provided, single submitter. Criteria: Invitae Variant Classification Sherloc (09022015). Collection method: clinical testing. Allele origin: germline.
Comment: This sequence change affects an acceptor splice site in intron 4 of the SGCB gene. It is expected to disrupt RNA splicing. Variants that disrupt the donor or acceptor splice site typically lead to a loss of protein function (PMID: 16199547), and loss-of-function variants in SGCB are known to be pathogenic (PMID: 15938573, 18285821). This variant is not present in population databases (gnomAD no frequency). Disruption of this splice site has been observed in individual(s) with SGCB-related conditions (PMID: 31937337). Algorithms developed to predict the effect of sequence changes on RNA splicing suggest that this variant may disrupt the consensus splice site. For these reasons, this variant has been classified as Pathogenic.

Literature cited by the submitters: PubMed 16199547 (cited by Labcorp Genetics (formerly Invitae), Labcorp); PubMed 15938573 (cited by Labcorp Genetics (formerly Invitae), Labcorp); PubMed 18285821 (cited by Labcorp Genetics (formerly Invitae), Labcorp); PubMed 31937337 (cited by Labcorp Genetics (formerly Invitae), Labcorp).

NM_000232.5(SGCB):c.622-1G>T

Gene: SGCB (sarcoglycan beta; minus strand). Cytogenetic location: 4q12.
Variant type: single nucleotide variant.
Coding change: c.622-1G>T on transcript NM_000232.5 (MANE Select); the canonical splice acceptor site of the intron before coding-DNA position 622, G replaced by T.
Molecular consequence: splice acceptor variant.
Genome position (GRCh38, 1-based): chr4:52,028,100, C>A on the plus strand (G>T on the coding strand, the complement: SGCB is on the minus strand). VCF-style: chr4-52028100-C-A. GRCh37 (hg19) VCF-style: chr4-52894266-C-A.
Identifiers: ClinVar variation 2695058 (VCV002695058.5), dbSNP rs2109370093, ClinGen allele CA356876335.